The following is an entry in ClinVar:

NM_139057.4(ADAMTS17):c.1585G>A (p.Ala529Thr)

Gene: ADAMTS17 (ADAM metallopeptidase with thrombospondin type 1 motif 17; minus strand). Cytogenetic location: 15q26.3.
Variant type: single nucleotide variant.
Coding change: c.1585G>A on transcript NM_139057.4 (MANE Select); coding-DNA position 1585, G replaced by A.
Protein change: p.Ala529Thr; replaces alanine 529 with threonine.
Molecular consequence: missense variant.
Genome position (GRCh38, 1-based): chr15:100,132,143, C>T on the plus strand (G>A on the coding strand, the complement: ADAMTS17 is on the minus strand). VCF-style: chr15-100132143-C-T. GRCh37 (hg19) VCF-style: chr15-100672348-C-T.
Other names: c.1585G>A (NM_139057.2); short protein forms A529T.
Identifiers: ClinVar variation 1521305 (VCV001521305.4), dbSNP rs753474247, ClinGen allele CA7758162.

ClinVar aggregate classification (germline): Uncertain significance. Review status: criteria provided, multiple submitters, no conflicts (2 of 4 stars). 2 submissions from 2 submitters: Uncertain significance (2). Last evaluated 2025-07-10.

Allele frequency attached by ClinVar (database versions not stated): gnomAD exomes 0.00016 and 0.00013; gnomAD 0.00015 and 0.00013; ExAC 0.00010; TOPMed 0.00014.

Submissions (2):

GeneDx
Classification: Uncertain significance. Last evaluated: 2025-07-10. Review status: criteria provided, single submitter. Criteria: GeneDx Variant Classification Process June 2021. Collection method: clinical testing. Allele origin: germline. Affected: yes.
Comment: In silico analysis suggests that this missense variant does not alter protein structure/function; Has not been previously published as pathogenic or benign to our knowledge

Labcorp Genetics (formerly Invitae), Labcorp
Classification: Uncertain significance. Last evaluated: 2022-10-17. Review status: criteria provided, single submitter. Criteria: Invitae Variant Classification Sherloc (09022015). Collection method: clinical testing. Allele origin: germline.
Comment: This sequence change replaces alanine, which is neutral and non-polar, with threonine, which is neutral and polar, at codon 529 of the ADAMTS17 protein (p.Ala529Thr). This variant is present in population databases (rs753474247, gnomAD 0.06%). This variant has not been reported in the literature in individuals affected with ADAMTS17-related conditions. ClinVar contains an entry for this variant (Variation ID: 1521305). Algorithms developed to predict the effect of missense changes on protein structure and function are either unavailable or do not agree on the potential impact of this missense change (SIFT: "Not Available"; PolyPhen-2: "Benign"; Align-GVGD: "Not Available"). In summary, the available evidence is currently insufficient to determine the role of this variant in disease. Therefore, it has been classified as a Variant of Uncertain Significance.